The following is an entry in ClinVar:

NM_005733.3(KIF20A):c.1187A>C (p.Asp396Ala)

Gene: KIF20A (kinesin family member 20A; plus strand). Cytogenetic location: 5q31.2.
Variant type: single nucleotide variant.
Coding change: c.1187A>C on transcript NM_005733.3 (MANE Select); coding-DNA position 1187, A replaced by C.
Protein change: p.Asp396Ala; replaces aspartic acid 396 with alanine.
Molecular consequence: missense variant.
Genome position (GRCh38, 1-based): chr5:138,183,735, A>C. VCF-style: chr5-138183735-A-C. GRCh37 (hg19) VCF-style: chr5-137519424-A-C.
Other names: c.1187A>C (NM_005733.2); short protein forms D396A.
Identifiers: ClinVar variation 3635476 (VCV003635476.3).

ClinVar aggregate classification (germline): Uncertain significance. Review status: criteria provided, multiple submitters, no conflicts (2 of 4 stars). 2 submissions from 2 submitters: Uncertain significance (2). Last evaluated 2025-10-15.

gnomAD v4.1: 48 of 1,613,538 alleles (0.003%); highest among the groups gnomAD compares: Non-Finnish European, 0.0037%; no homozygotes.

Submissions (2):

Labcorp Genetics (formerly Invitae), Labcorp
Classification: Uncertain significance. Last evaluated: 2025-10-15. Review status: criteria provided, single submitter. Criteria: Invitae Variant Classification Sherloc (09022015). Collection method: clinical testing. Allele origin: germline.
Comment: This sequence change replaces aspartic acid, which is acidic and polar, with alanine, which is neutral and non-polar, at codon 396 of the KIF20A protein (p.Asp396Ala). This variant is present in population databases (rs148948773, gnomAD 0.007%). This variant has not been reported in the literature in individuals affected with KIF20A-related conditions. ClinVar contains an entry for this variant (Variation ID: 3635476). An algorithm developed to predict the effect of missense changes on protein structure and function (PolyPhen-2) suggests that this variant is likely to be tolerated. In summary, the available evidence is currently insufficient to determine the role of this variant in disease. Therefore, it has been classified as a Variant of Uncertain Significance.

Ambry Genetics
Classification: Uncertain significance. Last evaluated: 2025-06-10. Review status: criteria provided, single submitter. Criteria: Ambry Variant Classification Scheme 2023. Collection method: clinical testing. Allele origin: germline.